The following is an entry in ClinVar:

ClinVar aggregate classification (germline): Uncertain significance. Review status: criteria provided, multiple submitters, no conflicts (2 of 4 stars). 2 submissions from 2 submitters: Uncertain significance (2). Last evaluated 2023-06-13.

Submissions (2):

Mayo Clinic Laboratories, Mayo Clinic
Classification: Uncertain significance. Last evaluated: 2023-06-13. Review status: criteria provided, single submitter. Criteria: ACMG Guidelines, 2015. Collection method: clinical testing. Allele origin: germline. Observed: 1 variant allele.
Comment: BP4, PM2

Labcorp Genetics (formerly Invitae), Labcorp
Classification: Uncertain significance. Last evaluated: 2023-04-03. Review status: criteria provided, single submitter. Criteria: Invitae Variant Classification Sherloc (09022015). Collection method: clinical testing. Allele origin: germline.
Comment: An algorithm developed to predict the effect of missense changes on protein structure and function (PolyPhen-2) suggests that this variant is likely to be disruptive. This sequence change replaces glycine, which is neutral and non-polar, with arginine, which is basic and polar, at codon 83 of the SLC27A5 protein (p.Gly83Arg). This variant is not present in population databases (gnomAD no frequency). This variant has not been reported in the literature in individuals affected with SLC27A5-related conditions. In summary, the available evidence is currently insufficient to determine the role of this variant in disease. Therefore, it has been classified as a Variant of Uncertain Significance.

NM_012254.3(SLC27A5):c.247G>C (p.Gly83Arg)

Gene: SLC27A5 (solute carrier family 27 member 5; minus strand). Cytogenetic location: 19q13.43.
Variant type: single nucleotide variant.
Coding change: c.247G>C on transcript NM_012254.3 (MANE Select); coding-DNA position 247, G replaced by C.
Protein change: p.Gly83Arg; replaces glycine 83 with arginine.
Molecular consequence: missense variant.
Genome position (GRCh38, 1-based): chr19:58,511,709, C>G on the plus strand (G>C on the coding strand, the complement: SLC27A5 is on the minus strand). VCF-style: chr19-58511709-C-G. GRCh37 (hg19) VCF-style: chr19-59023076-C-G.
Other names: p.Gly83Arg; c.247G>C, p.Gly83Arg (NM_001321196.2); short protein forms G83R.
Identifiers: ClinVar variation 2683523 (VCV002683523.4), dbSNP rs373781135, ClinGen allele CA407956527.